The following is an entry in ClinVar:

NM_030803.7(ATG16L1):c.1674G>A (p.Leu558=)

Gene: ATG16L1 (autophagy related 16 like 1; plus strand). Cytogenetic location: 2q37.1.
Variant type: single nucleotide variant.
Coding change: c.1674G>A on transcript NM_030803.7 (MANE Select); coding-DNA position 1674, G replaced by A.
Protein change: p.Leu558=; no amino-acid change (leucine 558 retained).
Molecular consequence: synonymous variant.
Genome position (GRCh38, 1-based): chr2:233,293,301, G>A. VCF-style: chr2-233293301-G-A. GRCh37 (hg19) VCF-style: chr2-234201947-G-A.
Other names: c.1422G>A, p.Leu474= (NM_001190266.2); c.1326G>A, p.Leu442= (NM_001190267.2); c.1725G>A, p.Leu575= (NM_001363742.2); c.1617G>A, p.Leu539= (NM_017974.4); c.1185G>A, p.Leu395= (NM_198890.3).
Identifiers: ClinVar variation 3905210 (VCV003905210.10).

ClinVar aggregate classification (germline): Likely benign (1 of 4 stars; one submission).

gnomAD v4.1: 597 of 1,614,204 alleles (0.037%); highest among the groups gnomAD compares: South Asian, 0.62%; 9 homozygotes.

Submission:

CeGaT Center for Human Genetics Tuebingen
Classification: Likely benign. Last evaluated: 2025-06-01. Review status: criteria provided, single submitter. Criteria: CeGaT Center For Human Genetics Tuebingen Variant Classification Criteria Version 2. Collection method: clinical testing. Allele origin: germline. Affected: yes. Observed: 1 variant allele.
Comment: ATG16L1: BP4, BP7